The following is an entry in ClinVar:

NM_000218.3(KCNQ1):c.700C>T (p.Gln234Ter)

Gene: KCNQ1 (potassium voltage-gated channel subfamily Q member 1; plus strand). Cytogenetic location: 11p15.5.
Variant type: single nucleotide variant.
Coding change: c.700C>T on transcript NM_000218.3 (MANE Select); coding-DNA position 700, C replaced by T.
Protein change: p.Gln234Ter; replaces glutamine 234 with a stop codon.
Molecular consequence: nonsense.
Genome position (GRCh38, 1-based): chr11:2,572,029, C>T. VCF-style: chr11-2572029-C-T. GRCh37 (hg19) VCF-style: chr11-2593259-C-T.
Other names: c.700C>T, p.Gln234Ter (NM_001406836.1); c.430C>T, p.Gln144Ter (NM_001406837.1); c.319C>T, p.Gln107Ter (NM_181798.2); short protein forms Q107*, Q234*, Q144*.
Identifiers: ClinVar variation 1414164 (VCV001414164.7), dbSNP rs2133730365, ClinGen allele CA379130928.

ClinVar aggregate classification (germline): Pathogenic. Review status: criteria provided, multiple submitters, no conflicts (2 of 4 stars). 2 submissions from 2 submitters: Pathogenic (2). Last evaluated 2025-12-21.

Conditions:
Cardiac arrhythmia. Also called: Arrhythmia; Cardiac rhythm disease. Identifiers: MedGen C0003811, MONDO:0007263, HP:0011675.
Long QT syndrome (LQTS). Identifiers: MedGen C0023976, MeSH D008133, MONDO:0002442. Disease mechanism: loss of function. Inheritance: Various modes of inheritance.

Submissions (2):

Labcorp Genetics (formerly Invitae), Labcorp
Classification: Pathogenic for Long QT syndrome. Last evaluated: 2025-12-21. Review status: criteria provided, single submitter. Criteria: Invitae Variant Classification Sherloc (09022015). Collection method: clinical testing. Allele origin: germline.
Comment: This sequence change creates a premature translational stop signal (p.Gln234*) in the KCNQ1 gene. It is expected to result in an absent or disrupted protein product. Loss-of-function variants in KCNQ1 are known to be pathogenic (PMID: 9323054, 19862833). This variant is not present in population databases (gnomAD no frequency). This variant has not been reported in the literature in individuals affected with KCNQ1-related conditions. ClinVar contains an entry for this variant (Variation ID: 1414164). For these reasons, this variant has been classified as Pathogenic.

Color Diagnostics, LLC DBA Color Health
Classification: Pathogenic for Cardiac arrhythmia. Last evaluated: 2025-09-19. Review status: criteria provided, single submitter. Criteria: ACMG Guidelines, 2015. Collection method: clinical testing. Allele origin: germline.
Comment: This variant changes 1 nucleotide in exon 5 of the KCNQ1 gene, creating a premature translation stop signal. This variant is expected to result in an absent or non-functional protein product. To our knowledge, this variant has not been reported in individuals affected with KCNQ1-related disorders in the literature. This variant has not been identified in the general population by the Genome Aggregation Database (gnomAD). Loss of KCNQ1 function is a known mechanism of disease. Based on the available evidence, this variant is classified as Pathogenic.

Literature cited by the submitters: PubMed 9323054 (cited by Labcorp Genetics (formerly Invitae), Labcorp); PubMed 19862833 (cited by Labcorp Genetics (formerly Invitae), Labcorp).